The following is an entry in ClinVar:

ClinVar aggregate classification (germline): Pathogenic (1 of 4 stars; one submission).

Conditions:
Tatton-Brown-Rahman overgrowth syndrome. Also called: Tatton-Brown-Rahman syndrome; Tall stature-intellectual disability-facial dysmorphism syndrome. Identifiers: Orphanet 404443, MedGen C4014545, MONDO:0014382, OMIM 615879.

Submission:

Labcorp Genetics (formerly Invitae), Labcorp
Classification: Pathogenic for Tatton-Brown-Rahman overgrowth syndrome. Last evaluated: 2023-12-11. Review status: criteria provided, single submitter. Criteria: Invitae Variant Classification Sherloc (09022015). Collection method: clinical testing. Allele origin: germline.
Comment: This variant is a gross deletion of the genomic region encompassing exon(s) 22 of the DNMT3A gene. While this deletion is not anticipated to lead to nonsense mediated decay, it is expected to disrupt the C-terminus of the protein. This variant has not been reported in the literature in individuals affected with DNMT3A-related conditions. This variant disrupts a region of the DNMT3A protein in which other variant(s) (p.Trp893*) have been determined to be pathogenic (Invitae). This suggests that this is a clinically significant region of the protein, and that variants that disrupt it are likely to be disease-causing. For these reasons, this variant has been classified as Pathogenic.

NC_000002.11:g.(?_25458556)_(25458714_?)del

Gene: DNMT3A (DNA methyltransferase 3 alpha; minus strand). Cytogenetic location: 2p23.3.
Variant type: Deletion.
Identifiers: ClinVar variation 1459355 (VCV001459355.8).